The following is an entry in ClinVar:

NM_024408.4(NOTCH2):c.7232A>C (p.Glu2411Ala)

Gene: NOTCH2 (notch receptor 2; minus strand). Cytogenetic location: 1p12.
Variant type: single nucleotide variant.
Coding change: c.7232A>C on transcript NM_024408.4 (MANE Select); coding-DNA position 7232, A replaced by C.
Protein change: p.Glu2411Ala; replaces glutamic acid 2411 with alanine.
Molecular consequence: missense variant.
Genome position (GRCh38, 1-based): chr1:119,915,490, T>G on the plus strand (A>C on the coding strand, the complement: NOTCH2 is on the minus strand). VCF-style: chr1-119915490-T-G. GRCh37 (hg19) VCF-style: chr1-120458113-T-G.
Other names: short protein forms E2411A.
Identifiers: ClinVar variation 4852675 (VCV004852675.2).

ClinVar aggregate classification (germline): Uncertain significance (1 of 4 stars; one submission).

gnomAD v4.1: 5 of 1,614,130 alleles (0.00031%); highest among the groups gnomAD compares: Non-Finnish European, 0.00042%; no homozygotes.

Submission:

Dasa
Classification: Uncertain significance. Last evaluated: 2025-11-05. Review status: criteria provided, single submitter. Criteria: DASA Assertion Criteria. Collection method: clinical testing. Allele origin: germline.
Comment: NM_024408.4(NOTCH2):c.7232A>C (p.Glu2411Ala) is a missense variant that results in the substitution of glutamic acid with alanine. This variant is rare in population databases. The currently available literature and clinical evidence are not sufficient to establish a definitive association between this variant and the reported condition. Therefore, this variant is classified as a variant of uncertain significance.